The following is an entry in ClinVar:

NM_033629.6(TREX1):c.-26-57C>T

Genes: ATRIP (ATR interacting protein; plus strand), ATRIP-TREX1 (ATRIP-TREX1 readthrough; plus strand), TREX1 (three prime repair exonuclease 1; plus strand). Cytogenetic location: 3p21.31.
Variant type: single nucleotide variant.
Coding change: c.-26-57C>T on transcript NM_033629.6 (MANE Select); 57 bases into the intron before 26 bases upstream of the start codon, C replaced by T.
Molecular consequence: intron variant. On other transcripts: 3 prime UTR variant (4).
Genome position (GRCh38, 1-based): chr3:48,466,573, C>T. VCF-style: chr3-48466573-C-T. GRCh37 (hg19) VCF-style: chr3-48507972-C-T.
Other names: NM_016381.5:c.83C>T; c.*1019C>T (NM_001271022.2, NM_001271023.2, NM_032166.4 and 1 more transcripts); c.-18-95C>T (NM_007248.5).
Identifiers: ClinVar variation 3032729 (VCV003032729.2), dbSNP rs771916103, ClinGen allele CA73932239.

ClinVar aggregate classification (germline): Uncertain significance (0 of 4 stars; one submission).

Conditions:
TREX1-related disorder. Also called: TREX1-related disorders; TREX1-related condition. Identifiers: MedGen CN239414.

gnomAD v4.1: 5 of 1,613,910 alleles (0.00031%); highest among the groups gnomAD compares: Admixed American, 0.0033%; no homozygotes.

Submission:

PreventionGenetics, part of Exact Sciences
Classification: Uncertain significance for TREX1-related condition. Last evaluated: 2023-10-27. Review status: no assertion criteria provided. Collection method: clinical testing. Allele origin: germline.
Comment: The TREX1 c.83C>T variant is predicted to result in the amino acid substitution p.Pro28Leu. To our knowledge, this variant has not been reported in the literature or in a large population database, indicating this variant is rare. At this time, the clinical significance of this variant is uncertain due to the absence of conclusive functional and genetic evidence.